The following is an entry in ClinVar:

NM_001003800.2(BICD2):c.1908C>G (p.Asp636Glu)

Gene: BICD2 (BICD cargo adaptor 2; minus strand). Cytogenetic location: 9q22.31.
Variant type: single nucleotide variant.
Coding change: c.1908C>G on transcript NM_001003800.2 (MANE Select); coding-DNA position 1908, C replaced by G.
Protein change: p.Asp636Glu; replaces aspartic acid 636 with glutamic acid.
Molecular consequence: missense variant.
Genome position (GRCh38, 1-based): chr9:92,718,737, G>C on the plus strand (C>G on the coding strand, the complement: BICD2 is on the minus strand). VCF-style: chr9-92718737-G-C. GRCh37 (hg19) VCF-style: chr9-95481019-G-C.
Other names: c.1908C>G, p.Asp636Glu (NM_015250.4); short protein forms D636E.
Identifiers: ClinVar variation 3706607 (VCV003706607.2).

ClinVar aggregate classification (germline): Uncertain significance (1 of 4 stars; one submission).

Conditions:
Autosomal dominant childhood-onset proximal spinal muscular atrophy with contractures (SMALED2A). Also called: SPINAL MUSCULAR ATROPHY, LOWER EXTREMITY-PREDOMINANT, 2A, CHILDHOOD ONSET, AUTOSOMAL DOMINANT; Spinal muscular atrophy, lower extremity-predominant, 2A, autosomal dominant. Identifiers: Orphanet 363447, Orphanet 363454, MedGen C4747715, MONDO:0014121, OMIM 615290.

Submission:

Labcorp Genetics (formerly Invitae), Labcorp
Classification: Uncertain significance for Autosomal dominant childhood-onset proximal spinal muscular atrophy with contractures. Last evaluated: 2024-07-30. Review status: criteria provided, single submitter. Criteria: Invitae Variant Classification Sherloc (09022015). Collection method: clinical testing. Allele origin: germline.
Comment: This sequence change replaces aspartic acid, which is acidic and polar, with glutamic acid, which is acidic and polar, at codon 636 of the BICD2 protein (p.Asp636Glu). This variant is present in population databases (no rsID available, gnomAD 0.01%). This variant has not been reported in the literature in individuals affected with BICD2-related conditions. Advanced modeling of protein sequence and biophysical properties (such as structural, functional, and spatial information, amino acid conservation, physicochemical variation, residue mobility, and thermodynamic stability) performed at Invitae indicates that this missense variant is not expected to disrupt BICD2 protein function with a negative predictive value of 80%. In summary, the available evidence is currently insufficient to determine the role of this variant in disease. Therefore, it has been classified as a Variant of Uncertain Significance.